The following is an entry in ClinVar:

NM_016247.4(IMPG2):c.514G>A (p.Ala172Thr)

Gene: IMPG2 (interphotoreceptor matrix proteoglycan 2; minus strand). Cytogenetic location: 3q12.3.
Variant type: single nucleotide variant.
Coding change: c.514G>A on transcript NM_016247.4 (MANE Select); coding-DNA position 514, G replaced by A.
Protein change: p.Ala172Thr; replaces alanine 172 with threonine.
Molecular consequence: missense variant.
Genome position (GRCh38, 1-based): chr3:101,291,498, C>T on the plus strand (G>A on the coding strand, the complement: IMPG2 is on the minus strand). VCF-style: chr3-101291498-C-T. GRCh37 (hg19) VCF-style: chr3-101010342-C-T.
Other names: short protein forms A172T.
Identifiers: ClinVar variation 2119324 (VCV002119324.4), dbSNP rs2509022452, ClinGen allele CA353846874.
Genomic context (GRCh38, chr3:101,291,498, plus strand): 5'-TGTGTTGCCAAACATGAATTTTGGGAAAAAGAGACACTCACCTGCTTACAGTTTCCTTTG[C>T]ATAAGTCAGTTTCTAAGGAAAACAAAGATATAAAAATGACTGAGTTAACAACAGTTATTA-3'
Protein context (NP_057331.2, residues 162-182): RSLIMKKLTY[Ala172Thr]KETVSSSELS

ClinVar aggregate classification (germline): Uncertain significance (1 of 4 stars; one submission).

Allele frequency attached by ClinVar (database versions not stated): gnomAD exomes below 0.00001.
gnomAD v4.1: 2 of 1,612,928 alleles (0.00012%); highest among the groups gnomAD compares: Non-Finnish European, 0.00017%; no homozygotes.

Submission:

Labcorp Genetics (formerly Invitae), Labcorp
Classification: Uncertain significance. Last evaluated: 2022-03-29. Review status: criteria provided, single submitter. Criteria: Invitae Variant Classification Sherloc (09022015). Collection method: clinical testing. Allele origin: germline.
Comment: In summary, the available evidence is currently insufficient to determine the role of this variant in disease. Therefore, it has been classified as a Variant of Uncertain Significance. Algorithms developed to predict the effect of missense changes on protein structure and function output the following: SIFT: "Tolerated"; PolyPhen-2: "Benign"; Align-GVGD: "Class C0". The threonine amino acid residue is found in multiple mammalian species, which suggests that this missense change does not adversely affect protein function. This variant has not been reported in the literature in individuals affected with IMPG2-related conditions. This variant is not present in population databases (gnomAD no frequency). This sequence change replaces alanine, which is neutral and non-polar, with threonine, which is neutral and polar, at codon 172 of the IMPG2 protein (p.Ala172Thr).